The following is an entry in ClinVar:

ClinVar aggregate classification (germline): Uncertain significance. Review status: criteria provided, multiple submitters, no conflicts (2 of 4 stars). 3 submissions from 3 submitters: Uncertain significance (3). Last evaluated 2024-02-24.

Conditions:
Cone-rod dystrophy 9 (CORD9). Identifiers: Orphanet 1872, MedGen C1423873, MONDO:0013002, OMIM 612775.

gnomAD v4.1: 1 of 1,614,142 alleles (0.000062%); highest among the groups gnomAD compares: Non-Finnish European, 0.000085%; no homozygotes.

Submissions (3):

Labcorp Genetics (formerly Invitae), Labcorp
Classification: Uncertain significance. Last evaluated: 2024-02-24. Review status: criteria provided, single submitter. Criteria: Invitae Variant Classification Sherloc (09022015). Collection method: clinical testing. Allele origin: germline.
Comment: This sequence change falls in intron 10 of the ADAM9 gene. It does not directly change the encoded amino acid sequence of the ADAM9 protein. It affects a nucleotide within the consensus splice site. This variant is present in population databases (rs755598388, gnomAD 0.0009%). This variant has not been reported in the literature in individuals affected with ADAM9-related conditions. ClinVar contains an entry for this variant (Variation ID: 1065691). Variants that disrupt the consensus splice site are a relatively common cause of aberrant splicing (PMID: 17576681, 9536098). Algorithms developed to predict the effect of sequence changes on RNA splicing suggest that this variant may disrupt the consensus splice site. In summary, the available evidence is currently insufficient to determine the role of this variant in disease. Therefore, it has been classified as a Variant of Uncertain Significance.

Ocular Genomics Institute, Massachusetts Eye and Ear
Classification: Uncertain significance for Cone-rod dystrophy 9. Last evaluated: 2021-04-08. Review status: criteria provided, single submitter. Criteria: ACMG Guidelines, 2015. Collection method: research. Allele origin: germline. Affected: yes.
Comment: Through a review of available evidence we were able to apply the following criteria: PM2. Based on this evidence we have classified this variant as Variant of Uncertain Significance.

Blueprint Genetics
Classification: Uncertain significance. Last evaluated: 2019-01-15. Review status: criteria provided, single submitter. Criteria: ACMG Guidelines, 2015. Collection method: clinical testing. Allele origin: germline.

Literature cited by the submitters: PubMed 17576681 (cited by Labcorp Genetics (formerly Invitae), Labcorp); PubMed 9536098 (cited by Labcorp Genetics (formerly Invitae), Labcorp).

NM_003816.3(ADAM9):c.997-3C>G

Gene: ADAM9 (ADAM metallopeptidase domain 9; plus strand). Cytogenetic location: 8p11.22.
Variant type: single nucleotide variant.
Coding change: c.997-3C>G on transcript NM_003816.3 (MANE Select); 3 bases into the intron before coding-DNA position 997, C replaced by G.
Molecular consequence: intron variant.
Genome position (GRCh38, 1-based): chr8:39,026,674, C>G. VCF-style: chr8-39026674-C-G. GRCh37 (hg19) VCF-style: chr8-38884193-C-G.
Identifiers: ClinVar variation 1065691 (VCV001065691.8), dbSNP rs755598388, ClinGen allele CA4721508.